The following is an entry in ClinVar:

ClinVar aggregate classification (germline): Uncertain significance (1 of 4 stars; one submission).

Conditions:
Emery-Dreifuss muscular dystrophy 5, autosomal dominant (EDMD5). Also called: EMERY-DREIFUSS MUSCULAR DYSTROPHY 5. Identifiers: Orphanet 261, MedGen C2751805, MONDO:0013072, OMIM 612999.

Submission:

Labcorp Genetics (formerly Invitae), Labcorp
Classification: Uncertain significance for Emery-Dreifuss muscular dystrophy 5, autosomal dominant. Last evaluated: 2022-08-23. Review status: criteria provided, single submitter. Criteria: Invitae Variant Classification Sherloc (09022015). Collection method: clinical testing. Allele origin: germline.
Comment: This variant is not present in population databases (gnomAD no frequency). This variant has not been reported in the literature in individuals affected with SYNE2-related conditions. ClinVar contains an entry for this variant (Variation ID: 1365531). Algorithms developed to predict the effect of missense changes on protein structure and function are either unavailable or do not agree on the potential impact of this missense change (SIFT: "Deleterious"; PolyPhen-2: "Probably Damaging"; Align-GVGD: "Class C0"). In summary, the available evidence is currently insufficient to determine the role of this variant in disease. Therefore, it has been classified as a Variant of Uncertain Significance. This sequence change replaces leucine, which is neutral and non-polar, with phenylalanine, which is neutral and non-polar, at codon 6753 of the SYNE2 protein (p.Leu6753Phe).

NM_182914.3(SYNE2):c.20257C>T (p.Leu6753Phe)

Gene: SYNE2 (spectrin repeat containing nuclear envelope protein 2; plus strand). Cytogenetic location: 14q23.2.
Variant type: single nucleotide variant.
Coding change: c.20257C>T on transcript NM_182914.3 (MANE Select); coding-DNA position 20257, C replaced by T.
Protein change: p.Leu6753Phe; replaces leucine 6753 with phenylalanine.
Molecular consequence: missense variant.
Genome position (GRCh38, 1-based): chr14:64,223,255, C>T. VCF-style: chr14-64223255-C-T. GRCh37 (hg19) VCF-style: chr14-64689973-C-T.
Other names: c.20188C>T, p.Leu6730Phe (NM_015180.6); c.823C>T, p.Leu275Phe (NM_182910.2); c.1201C>T, p.Leu401Phe (NM_182913.4); short protein forms L275F, L401F, L6730F, L6753F.
Identifiers: ClinVar variation 1365531 (VCV001365531.6), dbSNP rs2140451342, ClinGen allele CA389976394.